The following is an entry in ClinVar:

NM_017679.5(BCAS3):c.994-1G>A

Gene: BCAS3 (BCAS3 microtubule associated cell migration factor; plus strand). Cytogenetic location: 17q23.2.
Variant type: single nucleotide variant.
Coding change: c.994-1G>A on transcript NM_017679.5 (MANE Select); the canonical splice acceptor site of the intron before coding-DNA position 994, G replaced by A.
Molecular consequence: splice acceptor variant.
Genome position (GRCh38, 1-based): chr17:60,924,406, G>A. VCF-style: chr17-60924406-G-A. GRCh37 (hg19) VCF-style: chr17-59001767-G-A.
Other names: c.994-1G>A (NM_001353144.2, NM_001353145.2, NM_001330413.2 and 4 more transcripts).
Identifiers: ClinVar variation 4992650 (VCV004992650.1).

ClinVar aggregate classification (germline): Likely pathogenic (1 of 4 stars; one submission).

Conditions:
BCAS3-related disorder. Also called: BCAS3-related condition.

Submission:

PreventionGenetics, part of Exact Sciences
Classification: Likely pathogenic for BCAS3-related condition. Last evaluated: 2026-09-09. Review status: criteria provided, single submitter. Criteria: ACMG Guidelines, 2015. Collection method: clinical testing. Allele origin: germline.
Comment: The BCAS3 c.994-1G>A variant is predicted to disrupt the AG splice acceptor site and interfere with normal splicing. To our knowledge, this variant has not been reported in the literature or in a large population database (gnomAD), indicating this variant is rare. Variants that disrupt the consensus splice acceptor site in BCAS3 are expected to be pathogenic. This variant is interpreted as likely pathogenic.